The following is an entry in ClinVar:

NM_007194.4(CHEK2):c.449T>G (p.Val150Gly)

Gene: CHEK2 (checkpoint kinase 2; minus strand). Cytogenetic location: 22q12.1.
Variant type: single nucleotide variant.
Coding change: c.449T>G on transcript NM_007194.4 (MANE Select); coding-DNA position 449, T replaced by G.
Protein change: p.Val150Gly; replaces valine 150 with glycine.
Molecular consequence: missense variant. On other transcripts: 5 prime UTR variant (2), intron variant (1).
Genome position (GRCh38, 1-based): chr22:28,725,120, A>C on the plus strand (T>G on the coding strand, the complement: CHEK2 is on the minus strand). VCF-style: chr22-28725120-A-C. GRCh37 (hg19) VCF-style: chr22-29121108-A-C.
Other names: c.578T>G, p.Val193Gly (NM_001005735.3, NM_001438294.1); c.-329T>G (NM_001257387.3); c.-215T>G (NM_001437942.1); c.542T>G, p.Val181Gly (NM_001438293.1, NM_001438295.1); c.449T>G, p.Val150Gly (NM_145862.3); c.444+123T>G (NM_001349956.3); short protein forms V150G, V193G, V181G.
Identifiers: ClinVar variation 142326 (VCV000142326.17), dbSNP rs587782385, ClinGen allele CA168077.

ClinVar aggregate classification (germline): Uncertain significance. Review status: criteria provided, multiple submitters, no conflicts (2 of 4 stars). 2 submissions from 2 submitters: Uncertain significance (2). Last evaluated 2024-11-25.

Conditions:
Hereditary cancer-predisposing syndrome. Also called: Neoplastic Syndromes, Hereditary; Tumor predisposition; Hereditary Cancer Syndrome; Hereditary neoplastic syndrome. Identifiers: Orphanet 140162, MedGen C0027672, MeSH D009386, MONDO:0015356.
Familial cancer of breast. Also called: BREAST CANCER, FAMILIAL; Hereditary breast cancer; hereditary breast carcinoma. Identifiers: Orphanet 227535, MedGen C0346153, MONDO:0016419, OMIM 114480. Disease mechanism: loss of function.

Submissions (2):

Ambry Genetics
Classification: Uncertain significance for Hereditary cancer-predisposing syndrome. Last evaluated: 2024-11-25. Review status: criteria provided, single submitter. Criteria: Ambry Variant Classification Scheme 2023. Collection method: clinical testing. Allele origin: germline.
Comment: The p.V150G variant (also known as c.449T>G), located in coding exon 3 of the CHEK2 gene, results from a T to G substitution at nucleotide position 449. The valine at codon 150 is replaced by glycine, an amino acid with dissimilar properties. This amino acid position is poorly conserved in available vertebrate species. In addition, this alteration is predicted to be tolerated by in silico analysis. Based on the available evidence, the clinical significance of this variant remains unclear.

Labcorp Genetics (formerly Invitae), Labcorp
Classification: Uncertain significance for Familial cancer of breast. Last evaluated: 2019-12-13. Review status: criteria provided, single submitter. Criteria: Invitae Variant Classification Sherloc (09022015). Collection method: clinical testing. Allele origin: germline.
Comment: This sequence change replaces valine with glycine at codon 150 of the CHEK2 protein (p.Val150Gly). The valine residue is weakly conserved and there is a moderate physicochemical difference between valine and glycine. In summary, the available evidence is currently insufficient to determine the role of this variant in disease. Therefore, it has been classified as a Variant of Uncertain Significance. Algorithms developed to predict the effect of missense changes on protein structure and function are either unavailable or do not agree on the potential impact of this missense change (SIFT: "Deleterious"; PolyPhen-2: "Benign"; Align-GVGD: "Class C0"). This variant has not been reported in the literature in individuals with CHEK2-related conditions. ClinVar contains an entry for this variant (Variation ID: 142326). This variant is not present in population databases (ExAC no frequency).